The following is an entry in ClinVar:

ClinVar aggregate classification (germline): Uncertain significance. Review status: criteria provided, multiple submitters, no conflicts (2 of 4 stars). 4 submissions from 4 submitters: Uncertain significance (4). Last evaluated 2024-09-29.

Conditions:
Catecholaminergic polymorphic ventricular tachycardia 1. Also called: VENTRICULAR TACHYCARDIA, CATECHOLAMINERGIC POLYMORPHIC, 1, WITH OR WITHOUT ATRIAL DYSFUNCTION AND/OR DILATED CARDIOMYOPATHY; VENTRICULAR TACHYCARDIA, STRESS-INDUCED POLYMORPHIC 1; RYR2-Related Catecholaminergic Polymorphic Ventricular Tachycardia. Identifiers: Orphanet 3286, MedGen C1631597, MONDO:0011484, OMIM 604772.
Cardiovascular phenotype. Identifiers: MedGen CN230736.
Cardiomyopathy (CMYO). Also called: Cardiomyopathies. Identifiers: Orphanet 167848, MedGen C0878544, MONDO:0004994, HP:0001638. Inheritance: Various modes of inheritance.
Catecholaminergic polymorphic ventricular tachycardia (CVPT). Also called: Catecholamine-induced polymorphic ventricular tachycardia. Identifiers: Orphanet 3286, MedGen C5574922, MONDO:0017990.

Allele frequency attached by ClinVar (database versions not stated): ExAC 0.00001; gnomAD exomes 0.00001.
gnomAD v4.1: 10 of 1,611,662 alleles (0.00062%); highest among the groups gnomAD compares: Non-Finnish European, 0.00076%; no homozygotes.

Submissions (4):

Labcorp Genetics (formerly Invitae), Labcorp
Classification: Uncertain significance for Catecholaminergic polymorphic ventricular tachycardia 1. Last evaluated: 2024-09-29. Review status: criteria provided, single submitter. Criteria: Invitae Variant Classification Sherloc (09022015). Collection method: clinical testing. Allele origin: germline.
Comment: This sequence change replaces leucine, which is neutral and non-polar, with valine, which is neutral and non-polar, at codon 4670 of the RYR2 protein (p.Leu4670Val). This variant is not present in population databases (gnomAD no frequency). This missense change has been observed in individual(s) with arrhythmogenic right ventricular cardiomyopathy (PMID: 25041964). ClinVar contains an entry for this variant (Variation ID: 1771780). Invitae Evidence Modeling of protein sequence and biophysical properties (such as structural, functional, and spatial information, amino acid conservation, physicochemical variation, residue mobility, and thermodynamic stability) indicates that this missense variant is expected to disrupt RYR2 protein function with a positive predictive value of 95%. In summary, the available evidence is currently insufficient to determine the role of this variant in disease. Therefore, it has been classified as a Variant of Uncertain Significance.

All of Us Research Program, National Institutes of Health
Classification: Uncertain significance for Catecholaminergic polymorphic ventricular tachycardia. Last evaluated: 2023-11-20. Review status: criteria provided, single submitter. Criteria: ACMG Guidelines, 2015. Collection method: clinical testing. Allele origin: germline. Inheritance: Autosomal dominant inheritance. Observed: 1 variant allele, 1 heterozygote.
Comment: This missense variant replaces leucine with valine at codon 4670 of the RYR2 protein. Computational prediction suggests that this variant may have deleterious impact on protein structure and function (internally defined REVEL score threshold >= 0.7, PMID: 27666373). To our knowledge, functional studies have not been reported for this variant. This variant has been reported in one individual affected with arrhythmogenic right ventricular cardiomyopathy along with their affected sister and an asymptomatic mother (PMID: 25041964). This variant has been identified in 1/244972 chromosomes in the general population by the Genome Aggregation Database (gnomAD). The available evidence is insufficient to determine the role of this variant in disease conclusively. Therefore, this variant is classified as a Variant of Uncertain Significance.

This study involves interpretation of variants in research participants for the purpose of population health screening. Participant phenotype was not available at the time of variant classification. Additional details can be found in publication PMID: 35346344, PMCID: PMC8962531

Color Diagnostics, LLC DBA Color Health
Classification: Uncertain significance for Cardiomyopathy. Last evaluated: 2023-10-23. Review status: criteria provided, single submitter. Criteria: ACMG Guidelines, 2015. Collection method: clinical testing. Allele origin: germline.
Comment: This missense variant replaces leucine with valine at codon 4670 of the RYR2 protein. Computational prediction suggests that this variant may have deleterious impact on protein structure and function. To our knowledge, functional studies have not been reported for this variant. This variant has been reported in one individual affected with arrhythmogenic right ventricular cardiomyopathy along with their affected sister and an asymptomatic mother (PMID: 25041964). This variant has been identified in 1/244972 chromosomes in the general population by the Genome Aggregation Database (gnomAD). The available evidence is insufficient to determine the role of this variant in disease conclusively. Therefore, this variant is classified as a Variant of Uncertain Significance.

Ambry Genetics
Classification: Uncertain significance for Cardiovascular phenotype. Last evaluated: 2023-09-07. Review status: criteria provided, single submitter. Criteria: Ambry Variant Classification Scheme 2023. Collection method: clinical testing. Allele origin: germline.
Comment: The p.L4670V variant (also known as c.14008C>G), located in coding exon 97 of the RYR2 gene, results from a C to G substitution at nucleotide position 14008. The leucine at codon 4670 is replaced by valine, an amino acid with highly similar properties. This amino acid position is highly conserved in available vertebrate species. In addition, the in silico prediction for this alteration is inconclusive. Since supporting evidence is limited at this time, the clinical significance of this alteration remains unclear.

Literature cited by the submitters: PubMed 25041964 (cited by 4 submitters).

NM_001035.3(RYR2):c.14008C>G (p.Leu4670Val)

Gene: RYR2 (ryanodine receptor 2; plus strand). Cytogenetic location: 1q43.
Variant type: single nucleotide variant.
Coding change: c.14008C>G on transcript NM_001035.3 (MANE Select); coding-DNA position 14008, C replaced by G.
Protein change: p.Leu4670Val; replaces leucine 4670 with valine.
Molecular consequence: missense variant.
Genome position (GRCh38, 1-based): chr1:237,798,088, C>G. VCF-style: chr1-237798088-C-G. GRCh37 (hg19) VCF-style: chr1-237961388-C-G.
Other names: short protein forms L4670V.
Identifiers: ClinVar variation 1771780 (VCV001771780.9), dbSNP rs775408548, ClinGen allele CA085547.